The following is an entry in ClinVar:

ClinVar aggregate classification (germline): Uncertain significance (1 of 4 stars; one submission).

Submission:

GeneDx
Classification: Uncertain significance. Last evaluated: 2025-08-01. Review status: criteria provided, single submitter. Criteria: GeneDx Variant Classification Process June 2021. Collection method: clinical testing. Allele origin: germline. Affected: yes.
Comment: Not observed at significant frequency in large population cohorts (gnomAD); In-frame deletion of 2 amino acids in a non-repeat region; In silico analysis suggests that this variant does not alter protein structure/function; Has not been previously published as pathogenic or benign to our knowledge

NM_001394372.1(BICRA):c.4389_4394del (p.Asp1463_Trp1464del)

Gene: BICRA (BRD4 interacting chromatin remodeling complex associated protein; plus strand). Cytogenetic location: 19q13.33.
Variant type: Deletion.
Coding change: c.4389_4394del on transcript NM_001394372.1 (MANE Select); coding-DNA positions 4389 to 4394, 6 bases deleted (CTGGGA; older notation c.4389_4394delCTGGGA).
Protein change: p.Asp1463_Trp1464del.
Molecular consequence: inframe deletion.
Genome position (GRCh38, 1-based): chr19:47,702,121-47,702,126, CTGGGA deleted; deleting any 6 consecutive bases within chr19:47,702,119-47,702,126 gives the same sequence; the c. name uses the placement nearest the transcript's 3' end. VCF-style (leftmost placement, unchanged base first): chr19-47702118-CGACTGG-C. GRCh37 (hg19) VCF-style: chr19-48205375-CGACTGG-C.
Other names: c.4389_4394del, p.Asp1463_Trp1464del (NM_015711.3).
Identifiers: ClinVar variation 4690002 (VCV004690002.1).